The following is an entry in ClinVar:

ClinVar aggregate classification (germline): Uncertain significance (1 of 4 stars; one submission).

Allele frequency attached by ClinVar (database versions not stated): gnomAD exomes below 0.00001; TOPMed below 0.00001.
gnomAD v4.1: 1 of 1,542,392 alleles (0.000065%); highest among the groups gnomAD compares: Non-Finnish European, 0.000087%; no homozygotes.

Submission:

Labcorp Genetics (formerly Invitae), Labcorp
Classification: Uncertain significance. Last evaluated: 2022-06-28. Review status: criteria provided, single submitter. Criteria: Invitae Variant Classification Sherloc (09022015). Collection method: clinical testing. Allele origin: germline.
Comment: Algorithms developed to predict the effect of missense changes on protein structure and function are either unavailable or do not agree on the potential impact of this missense change (SIFT: "Deleterious"; PolyPhen-2: "Possibly Damaging"; Align-GVGD: "Class C0"). This variant has not been reported in the literature in individuals affected with ZNF469-related conditions. This variant is not present in population databases (gnomAD no frequency). This sequence change replaces glycine, which is neutral and non-polar, with aspartic acid, which is acidic and polar, at codon 878 of the ZNF469 protein (p.Gly878Asp). In summary, the available evidence is currently insufficient to determine the role of this variant in disease. Therefore, it has been classified as a Variant of Uncertain Significance.

NM_001367624.2(ZNF469):c.2633G>A (p.Gly878Asp)

Gene: ZNF469 (zinc finger protein 469; plus strand). Cytogenetic location: 16q24.2.
Variant type: single nucleotide variant.
Coding change: c.2633G>A on transcript NM_001367624.2 (MANE Select); coding-DNA position 2633, G replaced by A.
Protein change: p.Gly878Asp; replaces glycine 878 with aspartic acid.
Molecular consequence: missense variant.
Genome position (GRCh38, 1-based): chr16:88,430,103, G>A. VCF-style: chr16-88430103-G-A. GRCh37 (hg19) VCF-style: chr16-88496511-G-A.
Other names: short protein forms G878D.
Identifiers: ClinVar variation 1360277 (VCV001360277.6), dbSNP rs1906030499, ClinGen allele CA397074103.